The following is an entry in ClinVar:

ClinVar aggregate classification (germline): Uncertain significance (1 of 4 stars; one submission).

Allele frequency attached by ClinVar (database versions not stated): gnomAD exomes below 0.00001; gnomAD 0.00001.
gnomAD v4.1: 3 of 1,613,580 alleles (0.00019%); highest among the groups gnomAD compares: South Asian, 0.0033%; no homozygotes.

Submission:

GeneDx
Classification: Uncertain significance. Last evaluated: 2023-12-06. Review status: criteria provided, single submitter. Criteria: GeneDx Variant Classification Process June 2021. Collection method: clinical testing. Allele origin: germline. Affected: yes.
Comment: Not observed at significant frequency in large population cohorts (gnomAD); In silico analysis supports that this missense variant does not alter protein structure/function; Has not been previously published as pathogenic or benign to our knowledge

NM_015338.6(ASXL1):c.3665C>T (p.Ser1222Phe)

Gene: ASXL1 (ASXL transcriptional regulator 1; plus strand). Cytogenetic location: 20q11.21.
Variant type: single nucleotide variant.
Coding change: c.3665C>T on transcript NM_015338.6 (MANE Select); coding-DNA position 3665, C replaced by T.
Protein change: p.Ser1222Phe; replaces serine 1222 with phenylalanine.
Molecular consequence: missense variant.
Genome position (GRCh38, 1-based): chr20:32,436,377, C>T. VCF-style: chr20-32436377-C-T. GRCh37 (hg19) VCF-style: chr20-31024180-C-T.
Other names: c.3482C>T, p.Ser1161Phe (NM_001363734.1); short protein forms S1161F, S1222F.
Identifiers: ClinVar variation 3252294 (VCV003252294.1), dbSNP rs1600592545.